The following is an entry in ClinVar:

ClinVar aggregate classification (germline): Uncertain significance (1 of 4 stars; one submission).

Conditions:
Spastic paraplegia-severe developmental delay-epilepsy syndrome. Also called: Spastic paraplegia and psychomotor retardation with or without seizures. Identifiers: Orphanet 464282, MedGen C4225215, MONDO:0014764, OMIM 616756.

Submission:

Juno Genomics, Hangzhou Juno Genomics, Inc
Classification: Uncertain significance for Spastic paraplegia-severe developmental delay-epilepsy syndrome. Review status: criteria provided, single submitter. Criteria: ACMG Guidelines, 2015. Collection method: clinical testing. Allele origin: germline.
Comment: Absent from controls (or at extremely low frequency if recessive) in Genome Aggregation Database.;Multiple lines of computational evidence support a deleterious effect on the gene or gene product.

NM_020771.4(HACE1):c.566A>T (p.Asp189Val)

Gene: HACE1 (HECT domain and ankyrin repeat containing E3 ubiquitin protein ligase 1; minus strand). Cytogenetic location: 6q16.3.
Variant type: single nucleotide variant.
Coding change: c.566A>T on transcript NM_020771.4 (MANE Select); coding-DNA position 566, A replaced by T.
Protein change: p.Asp189Val; replaces aspartic acid 189 with valine.
Molecular consequence: missense variant. On other transcripts: 5 prime UTR variant (1), non-coding transcript variant (5), intron variant (5).
Genome position (GRCh38, 1-based): chr6:104,811,362, T>A on the plus strand (A>T on the coding strand, the complement: HACE1 is on the minus strand). VCF-style: chr6-104811362-T-A. GRCh37 (hg19) VCF-style: chr6-105259237-T-A.
Other names: c.434A>T, p.Asp145Val (NM_001321080.2); c.464A>T, p.Asp155Val (NM_001321083.2); c.332A>T, p.Asp111Val (NM_001350554.2); c.80A>T, p.Asp27Val (NM_001350556.2); c.-218A>T (NM_001350560.2); c.327-14337A>T (NM_001350555.2); c.114-14337A>T (NM_001350557.2, NM_001350558.2, NM_001321084.2); c.36-14337A>T (NM_001350559.2); short protein forms D111V, D145V, D155V, D189V, D27V.
Identifiers: ClinVar variation 5019438 (VCV005019438.2).
Genomic context (GRCh38, chr6:104,811,362, plus strand): 5'-ATATCATACCTGCAAGCAAAGTACAATGGAGTTGCTCCTGATACATTTGGCCTGTTAATA[T>A]CAGCACCACTGTCTAGCAAGCACTGCACTGTCTGAGGGGGAAAAAATAATTAAAAGTAAA-3'
Protein context (NP_065822.2, residues 179-199): TVQCLLDSGA[Asp189Val]INRPNVSGAT